The following is an entry in ClinVar:

ClinVar aggregate classification (germline): Likely benign (1 of 4 stars; one submission).

Conditions:
Autosomal dominant nonsyndromic hearing loss 9. Identifiers: Orphanet 90635, MedGen C1832425, MONDO:0011058, OMIM 601369.

Allele frequency attached by ClinVar (database versions not stated): gnomAD below 0.00001 and 0.00027; TOPMed 0.00001; 1000 Genomes Project 0.00220.
gnomAD v4.1: 297 of 983,614 alleles (0.03%); highest among the groups gnomAD compares: South Asian, 1.2%; 4 homozygotes.

Submission:

Illumina Laboratory Services, Illumina
Classification: Likely benign for Autosomal dominant nonsyndromic hearing loss 9. Last evaluated: 2018-01-12. Review status: criteria provided, single submitter. Criteria: ICSL Variant Classification Criteria 13 December 2019. Collection method: clinical testing. Allele origin: germline.
Comment: This variant was observed in the ICSL laboratory as part of a predisposition screen in an ostensibly healthy population. It had not been previously curated by ICSL or reported in the Human Gene Mutation Database (HGMD: prior to June 1st, 2018), and was therefore a candidate for classification through an automated scoring system. Utilizing variant allele frequency, disease prevalence and penetrance estimates, and inheritance mode, an automated score was calculated to assess if this variant is too frequent to cause the disease. Based on the score and internal cut-off values, a variant classified as likely benign is not then subjected to further curation. The score for this variant resulted in a classification of likely benign for this disease.

NM_004086.3(COCH):c.*612G>T

Gene: COCH (cochlin; plus strand). Cytogenetic location: 14q12.
Variant type: single nucleotide variant.
Coding change: c.*612G>T on transcript NM_004086.3 (MANE Select); 612 bases downstream of the stop codon, G replaced by T.
Molecular consequence: 3 prime UTR variant.
Genome position (GRCh38, 1-based): chr14:30,890,403, G>T. VCF-style: chr14-30890403-G-T. GRCh37 (hg19) VCF-style: chr14-31359609-G-T.
Other names: c.*612G>T (NM_001135058.2, NM_001347720.2).
Identifiers: ClinVar variation 313013 (VCV000313013.5), dbSNP rs541766600, ClinGen allele CA10645148.